The following is an entry in ClinVar:

NM_017882.3(CLN6):c.797T>C (p.Phe266Ser)

Gene: CLN6 (CLN6 transmembrane ER protein; minus strand). Cytogenetic location: 15q23.
Variant type: single nucleotide variant.
Coding change: c.797T>C on transcript NM_017882.3 (MANE Select); coding-DNA position 797, T replaced by C.
Protein change: p.Phe266Ser; replaces phenylalanine 266 with serine.
Molecular consequence: missense variant.
Genome position (GRCh38, 1-based): chr15:68,208,279, A>G on the plus strand (T>C on the coding strand, the complement: CLN6 is on the minus strand). VCF-style: chr15-68208279-A-G. GRCh37 (hg19) VCF-style: chr15-68500617-A-G.
Other names: short protein forms F266S.
Identifiers: ClinVar variation 423031 (VCV000423031.2), dbSNP rs1064796180, ClinGen allele CA16619997.
Genomic context (GRCh38, chr15:68,208,279, plus strand): 5'-AGAACAGGGTCATTCCACAGCCAGGCGACCCAGAGCGCCACAAGCAAGAGGGTCAGTGCG[A>G]AGGAGGAGAAGAGGAAGAGGCCGTTGCTGTCCAGGAAGAGGCGCTTGCGCTTCTGGTGCA-3'
Protein context (NP_060352.1, residues 256-276): DSNGLFLFSS[Phe266Ser]ALTLLLVALW

ClinVar aggregate classification (germline): Uncertain significance (1 of 4 stars; one submission).

Allele frequency attached by ClinVar (database versions not stated): TOPMed below 0.00001.

Submission:

GeneDx
Classification: Uncertain significance. Last evaluated: 2017-01-11. Review status: criteria provided, single submitter. Criteria: GeneDx Variant Classification (06012015). Collection method: clinical testing. Allele origin: germline. Affected: yes.
Comment: The F266S variant in the CLN6 gene has not been reported previously as a pathogenic variant, nor as a benign variant, to our knowledge. The F266S variant was not observed in approximately 6,500 individuals of European and African American ancestry in the NHLBI Exome Sequencing Project, indicating it is not a common benign variant in these populations. The F266S variant is a non-conservative amino acid substitution, which is likely to impact secondary protein structure as these residues differ in polarity, charge, size and/or other properties. This substitution occurs at a position that is conserved across species. In silico analysis predicts this variant is probably damaging to the protein structure/function. We interpret F266S as a variant of uncertain significance.